The following is an entry in ClinVar:

NM_001370259.2(MEN1):c.703G>A (p.Glu235Lys)

Gene: MEN1 (menin 1; minus strand). Cytogenetic location: 11q13.1.
Variant type: single nucleotide variant.
Coding change: c.703G>A on transcript NM_001370259.2 (MANE Select); coding-DNA position 703, G replaced by A.
Protein change: p.Glu235Lys; replaces glutamic acid 235 with lysine.
Molecular consequence: missense variant.
Genome position (GRCh38, 1-based): chr11:64,807,632, C>T on the plus strand (G>A on the coding strand, the complement: MEN1 is on the minus strand). VCF-style: chr11-64807632-C-T. GRCh37 (hg19) VCF-style: chr11-64575104-C-T.
Other names: c.718G>A, p.Glu240Lys (NM_000244.4, NM_130800.3, NM_130801.3 and 3 more transcripts); c.703G>A, p.Glu235Lys (NM_001370251.2, NM_001370260.2, NM_001370261.2 and 1 more transcripts); c.598G>A, p.Glu200Lys (NM_001370262.2, NM_001370263.2); short protein forms E235K, E240K, E200K.
Identifiers: ClinVar variation 428024 (VCV000428024.9), dbSNP rs1114167488, ClinGen allele CA381184581.
Genomic context (GRCh38, chr11:64,807,632, plus strand): 5'-CCAGCGAGTCGGTGTGCAGGTCAATGGAAGGGTTGATGGCACACACCATGAACGCCACCT[C>T]CATCTTGCGGTCACAGCGCATGTATGATCCTTTCAGGTACAGCCAGCTCTTAGGGGGGGA-3'
Protein context (NP_001357188.2, residues 225-245): GSYMRCDRKM[Glu235Lys]VAFMVCAINP

ClinVar aggregate classification (germline): Conflicting classifications of pathogenicity. Review status: criteria provided, conflicting classifications (1 of 4 stars). 2 submissions from 2 submitters: Pathogenic (1); Uncertain significance (1). Last evaluated 2024-05-20.

Conditions:
Hereditary cancer-predisposing syndrome. Also called: Hereditary neoplastic syndrome; Tumor predisposition; Neoplastic Syndromes, Hereditary; Hereditary Cancer Syndrome. Identifiers: Orphanet 140162, MedGen C0027672, MeSH D009386, MONDO:0015356.
Multiple endocrine neoplasia, type 1 (MEN1). Also called: MEN I; Endocrine adenomatosis multiple; MEN 1; WERMER SYNDROME; MEA I. Identifiers: Orphanet 652, MedGen C0025267, MeSH D018761, MONDO:0007540, OMIM 131100.

Submissions (2):

Labcorp Genetics (formerly Invitae), Labcorp
Classification: Uncertain significance for Multiple endocrine neoplasia, type 1. Last evaluated: 2024-05-20. Review status: criteria provided, single submitter. Criteria: Invitae Variant Classification Sherloc (09022015). Collection method: clinical testing. Allele origin: germline.
Comment: This sequence change replaces glutamic acid, which is acidic and polar, with lysine, which is basic and polar, at codon 235 of the MEN1 protein (p.Glu235Lys). This variant is not present in population databases (gnomAD no frequency). This missense change has been observed in individual(s) with multiple endocrine neoplasia type 1 (PMID: 17623761, 27212590). ClinVar contains an entry for this variant (Variation ID: 428024). Advanced modeling of protein sequence and biophysical properties (such as structural, functional, and spatial information, amino acid conservation, physicochemical variation, residue mobility, and thermodynamic stability) performed at Invitae indicates that this missense variant is expected to disrupt MEN1 protein function with a positive predictive value of 95%. Experimental studies have shown that this missense change affects MEN1 function (PMID: 37492626). In summary, the available evidence is currently insufficient to determine the role of this variant in disease. Therefore, it has been classified as a Variant of Uncertain Significance.

Ambry Genetics
Classification: Pathogenic for Hereditary cancer-predisposing syndrome. Last evaluated: 2023-03-02. Review status: criteria provided, single submitter. Criteria: Ambry Variant Classification Scheme 2023. Collection method: clinical testing. Allele origin: germline.
Comment: The p.E235K pathogenic mutation (also known as c.703G>A), located in coding exon 3 of the MEN1 gene, results from a G to A substitution at nucleotide position 703. The glutamic acid at codon 235 is replaced by lysine, an amino acid with similar properties. This alteration has been observed in multiple individuals with a personal and/or family history that is consistent with MEN1-related disease (Tham E et al. J. Clin. Endocrinol. Metab. 2007;92(9):3389-95; Christakis I et al. Int J Surg. 2016 Jul;31:10-6; Ambry internal data). In addition, this alteration has been show to segregate with disease in two unrelated families (Ambry internal data). Based on internal structural analysis, this variant is anticipated to result in a significant decrease in structural stability (Huang J et al. Nature. 2012 Feb;482:542-6). This amino acid position is highly conserved in available vertebrate species. In addition, this alteration is predicted to be deleterious by in silico analysis. Based on the supporting evidence, this alteration is interpreted as a disease-causing mutation.

Literature cited by the submitters: PubMed 17623761 (cited by Labcorp Genetics (formerly Invitae), Labcorp and Ambry Genetics); PubMed 27212590 (cited by Labcorp Genetics (formerly Invitae), Labcorp and Ambry Genetics); PubMed 37492626 (cited by Labcorp Genetics (formerly Invitae), Labcorp); PubMed 22327296 (cited by Ambry Genetics); PubMed 28881068 (cited by Ambry Genetics).